The following is an entry in ClinVar:

NM_004415.4(DSP):c.6826G>A (p.Glu2276Lys)

Gene: DSP (desmoplakin; plus strand). Cytogenetic location: 6p24.3.
Variant type: single nucleotide variant.
Coding change: c.6826G>A on transcript NM_004415.4 (MANE Select); coding-DNA position 6826, G replaced by A.
Protein change: p.Glu2276Lys; replaces glutamic acid 2276 with lysine.
Molecular consequence: missense variant.
Genome position (GRCh38, 1-based): chr6:7,584,088, G>A. VCF-style: chr6-7584088-G-A. GRCh37 (hg19) VCF-style: chr6-7584321-G-A.
Other names: c.5029G>A, p.Glu1677Lys (NM_001008844.3); c.5497G>A, p.Glu1833Lys (NM_001319034.2); short protein forms E1677K, E1833K, E2276K.
Identifiers: ClinVar variation 2949118 (VCV002949118.3), dbSNP rs2533942843, ClinGen allele CA362691641.

ClinVar aggregate classification (germline): Uncertain significance (1 of 4 stars; one submission).

Conditions:
Arrhythmogenic cardiomyopathy with wooly hair and keratoderma. Also called: Dilated cardiomyopathy with woolly hair and keratoderma; PALMOPLANTAR KERATODERMA WITH LEFT VENTRICULAR CARDIOMYOPATHY AND WOOLLY HAIR; Carvajal syndrome; Arrhythmogenic cardiomyopathy with woolly hair and keratoderma. Identifiers: Orphanet 65282, MedGen C1854063, MONDO:0011581, OMIM 605676.
Arrhythmogenic right ventricular dysplasia 8 (ARVD8). Also called: Arrhythmogenic Right Ventricular Dysplasia/Cardiomyopathy 8; ARRHYTHMOGENIC RIGHT VENTRICULAR DYSPLASIA, FAMILIAL, 8; ARRHYTHMOGENIC RIGHT VENTRICULAR CARDIOMYOPATHY 8. Identifiers: MedGen C1843896, MONDO:0011831, OMIM 607450.

Submission:

Labcorp Genetics (formerly Invitae), Labcorp
Classification: Uncertain significance for Arrhythmogenic cardiomyopathy with wooly hair and keratoderma; Arrhythmogenic right ventricular dysplasia 8. Last evaluated: 2024-01-21. Review status: criteria provided, single submitter. Criteria: Invitae Variant Classification Sherloc (09022015). Collection method: clinical testing. Allele origin: germline.
Comment: This sequence change replaces glutamic acid, which is acidic and polar, with lysine, which is basic and polar, at codon 2276 of the DSP protein (p.Glu2276Lys). This variant is not present in population databases (gnomAD no frequency). This variant has not been reported in the literature in individuals affected with DSP-related conditions. An algorithm developed to predict the effect of missense changes on protein structure and function (PolyPhen-2) suggests that this variant is likely to be tolerated. In summary, the available evidence is currently insufficient to determine the role of this variant in disease. Therefore, it has been classified as a Variant of Uncertain Significance.